The following is an entry in ClinVar:

NM_001276345.2(TNNT2):c.412G>A (p.Glu138Lys)

Gene: TNNT2 (troponin T2, cardiac type; minus strand). Cytogenetic location: 1q32.1.
Variant type: single nucleotide variant.
Coding change: c.412G>A on transcript NM_001276345.2 (MANE Select); coding-DNA position 412, G replaced by A.
Protein change: p.Glu138Lys; replaces glutamic acid 138 with lysine.
Molecular consequence: missense variant.
Genome position (GRCh38, 1-based): chr1:201,364,375, C>T on the plus strand (G>A on the coding strand, the complement: TNNT2 is on the minus strand). VCF-style: chr1-201364375-C-T. GRCh37 (hg19) VCF-style: chr1-201333503-C-T.
Other names: p.E128K:GAG>AAG; c.412G>A, p.Glu138Lys (NM_000364.4); c.382G>A, p.Glu128Lys (NM_001001430.3, NM_001001431.3, NM_001276347.2); c.367G>A, p.Glu123Lys (NM_001001432.3); c.292G>A, p.Glu98Lys (NM_001276346.2); c.382G>A (NM_001001430.2); short protein forms E128K, E138K, E123K, E98K.
Identifiers: ClinVar variation 181616 (VCV000181616.9), dbSNP rs730881100, ClinGen allele CA004435.

ClinVar aggregate classification (germline): Uncertain significance. Review status: criteria provided, multiple submitters, no conflicts (2 of 4 stars). 7 submissions from 5 submitters: Uncertain significance (7). Last evaluated 2025-08-11.

Conditions:
TNNT2-related disorder. Also called: TNNT2-related condition.
Cardiomyopathy, familial restrictive, 3. Identifiers: Orphanet 75249, MedGen C2676271, MONDO:0012900, OMIM 612422.
Hypertrophic cardiomyopathy 2. Also called: TNNT2-Related Familial Hypertrophic Cardiomyopathy. Identifiers: MedGen C1861864, MONDO:0007266, OMIM 115195.
Dilated cardiomyopathy 1D. Identifiers: Orphanet 154, Orphanet 54260, MedGen C1832243, MONDO:0011095, OMIM 601494.
Cardiomyopathy (CMYO). Also called: Cardiomyopathies. Identifiers: Orphanet 167848, MedGen C0878544, MONDO:0004994, HP:0001638. Inheritance: Various modes of inheritance.

Allele frequency attached by ClinVar (database versions not stated): gnomAD exomes 0.00001; TOPMed 0.00001; gnomAD 0.00001.

Submissions (7):

Labcorp Genetics (formerly Invitae), Labcorp
Classification: Uncertain significance for Cardiomyopathy, familial restrictive, 3; Hypertrophic cardiomyopathy 2; Dilated cardiomyopathy 1D. Last evaluated: 2025-08-11. Review status: criteria provided, single submitter. Criteria: Invitae Variant Classification Sherloc (09022015). Collection method: clinical testing. Allele origin: germline.
Comment: This sequence change replaces glutamic acid, which is acidic and polar, with lysine, which is basic and polar, at codon 128 of the TNNT2 protein (p.Glu128Lys). The frequency data for this variant in the population databases is considered unreliable, as metrics indicate poor data quality at this position in the gnomAD database. This missense change has been observed in individual(s) with hypertrophic cardiomyopathy (PMID: 23283745, 23711808). This variant is also known as c.412G>A (p.E138K). ClinVar contains an entry for this variant (Variation ID: 181616). An algorithm developed to predict the effect of missense changes on protein structure and function (PolyPhen-2) suggests that this variant is likely to be disruptive. Algorithms developed to predict the effect of sequence changes on RNA splicing suggest that this variant may create or strengthen a splice site. In summary, the available evidence is currently insufficient to determine the role of this variant in disease. Therefore, it has been classified as a Variant of Uncertain Significance.

All of Us Research Program, National Institutes of Health
Classification: Uncertain significance for Cardiomyopathy. Last evaluated: 2023-11-02. Review status: criteria provided, single submitter. Criteria: ACMG Guidelines, 2015. Collection method: clinical testing. Allele origin: germline. Inheritance: Autosomal dominant inheritance. Observed: 1 variant allele, 1 heterozygote.
Comment: This missense variant replaces glutamic acid with lysine at codon 128 of the TNNT2 protein. Computational prediction suggests that this variant may have deleterious impact on protein structure and function (internally defined REVEL score threshold >= 0.7, PMID: 27666373). To our knowledge, functional studies have not been reported for this variant. This variant has been reported in an individual affected with hypertrophic cardiomyopathy who carried a second variant in the MYBPC3 gene (c.2792+12C>T) (PMID: 23711808). This variant has been identified in 2/249434 chromosomes in the general population by the Genome Aggregation Database (gnomAD). The available evidence is insufficient to determine the role of this variant in disease conclusively. Therefore, this variant is classified as a Variant of Uncertain Significance.

This study involves interpretation of variants in research participants for the purpose of population health screening. Participant phenotype was not available at the time of variant classification. Additional details can be found in publication PMID: 35346344, PMCID: PMC8962531

PreventionGenetics, part of Exact Sciences
Classification: Uncertain significance for TNNT2-related condition. Last evaluated: 2023-05-19. Review status: criteria provided, single submitter. Criteria: ACMG Guidelines, 2015. Collection method: clinical testing. Allele origin: germline.
Comment: The TNNT2 c.382G>A variant is predicted to result in the amino acid substitution p.Glu128Lys. This variant was reported in three individuals with hypertrophic cardiomyopathy; however, all three individuals harbored an additional variant in genes associated with cardiomyopathy (described as E138K with an alternate transcript NM_000364, Zou et al. 2013. PubMed ID: 23283745; Liu et al. 2013. PubMed ID: 23711808). This variant is reported in 0.0058% of alleles in individuals of Latino descent in gnomAD. At this time, the clinical significance of this variant is uncertain due to the absence of conclusive functional and genetic evidence.

Genome-Nilou Lab
Classification: Uncertain significance for Dilated cardiomyopathy 1D. Last evaluated: 2023-04-11. Review status: criteria provided, single submitter. Criteria: ACMG Guidelines, 2015. Collection method: clinical testing. Allele origin: germline. Affected: no.

Genome-Nilou Lab
Classification: Uncertain significance for Cardiomyopathy, familial restrictive, 3. Last evaluated: 2023-04-11. Review status: criteria provided, single submitter. Criteria: ACMG Guidelines, 2015. Collection method: clinical testing. Allele origin: germline. Affected: no.

Genome-Nilou Lab
Classification: Uncertain significance for Hypertrophic cardiomyopathy 2. Last evaluated: 2023-04-11. Review status: criteria provided, single submitter. Criteria: ACMG Guidelines, 2015. Collection method: clinical testing. Allele origin: germline. Affected: no.

GeneDx
Classification: Uncertain significance. Last evaluated: 2020-01-28. Review status: criteria provided, single submitter. Criteria: GeneDx Variant Classification Process June 2021. Collection method: clinical testing. Allele origin: germline. Affected: yes.
Comment: Reported in association with HCM (also reported as E138K using alternate nomenclature); at least two individuals were reported to also harbor variants in the MYH7 gene (Liu et al., 2013; Zou et al., 2013); Not observed at a significant frequency in large population cohorts (Lek et al., 2016); In silico analysis, which includes protein predictors and evolutionary conservation, supports a deleterious effect; This variant is associated with the following publications: (PMID: 23283745, 23711808)

Literature cited by the submitters: PubMed 23283745 (cited by Labcorp Genetics (formerly Invitae), Labcorp); PubMed 23711808 (cited by Labcorp Genetics (formerly Invitae), Labcorp and All of Us Research Program, National Institutes of Health).